The following is an entry in ClinVar:

ClinVar aggregate classification (germline): Pathogenic/Likely pathogenic. Review status: criteria provided, multiple submitters, no conflicts (2 of 4 stars). 2 submissions from 2 submitters: Pathogenic (1); Likely pathogenic (1). Last evaluated 2026-02-17.

Conditions:
Multicentric osteolysis nodulosis arthropathy spectrum. Identifiers: Orphanet 3460, Orphanet 371428, MedGen C1850155, MONDO:0018298.

Submissions (2):

GeneDx
Classification: Pathogenic. Last evaluated: 2026-02-17. Review status: criteria provided, single submitter. Criteria: GeneDx Variant Classification Process June 2021. Collection method: clinical testing. Allele origin: germline.
Comment: Not observed at significant frequency in large population cohorts (gnomAD); Nonsense variant predicted to result in protein truncation or nonsense mediated decay in a gene for which loss of function is a known mechanism of disease; This variant is associated with the following publications: (PMID: 39540058, 26601801)

Kasturba Medical College, Manipal, Kasturba Medical College, Manipal, Manipal Academy of Higher Education, Manipal, India
Classification: Likely pathogenic for Multicentric osteolysis, nodulosis, and arthropathy. Review status: criteria provided, single submitter. Criteria: ACMG Guidelines, 2015. Collection method: clinical testing. Allele origin: inherited. Affected: yes.

NM_004530.6(MMP2):c.306C>A (p.Cys102Ter)

Gene: MMP2 (matrix metallopeptidase 2; plus strand). Cytogenetic location: 16q12.2.
Variant type: single nucleotide variant.
Coding change: c.306C>A on transcript NM_004530.6 (MANE Select); coding-DNA position 306, C replaced by A.
Protein change: p.Cys102Ter; replaces cysteine 102 with a stop codon.
Molecular consequence: nonsense.
Genome position (GRCh38, 1-based): chr16:55,483,061, C>A. VCF-style: chr16-55483061-C-A. GRCh37 (hg19) VCF-style: chr16-55516973-C-A.
Other names: c.306C>A (NM_004530.5); c.156C>A, p.Cys52Ter (NM_001127891.3); c.78C>A, p.Cys26Ter (NM_001302508.1, NM_001302509.2, NM_001302510.2); short protein forms C102*, C26*, C52*.
Identifiers: ClinVar variation 1332856 (VCV001332856.3), dbSNP rs201679510, ClinGen allele CA395931656.